The following is an entry in ClinVar:

ClinVar aggregate classification (germline): Uncertain significance. Review status: criteria provided, multiple submitters, no conflicts (2 of 4 stars). 2 submissions from 2 submitters: Uncertain significance (2). Last evaluated 2023-04-27.

Conditions:
Familial thoracic aortic aneurysm and aortic dissection (TAAD). Also called: Thoracic aortic aneurysms and dissections. Identifiers: Orphanet 91387, MedGen C4707243, MONDO:0019625.
Ehlers-Danlos syndrome, type 4 (EDSVASC). Also called: Ehlers-Danlos syndrome vascular type; Ehlers Danlos syndrome, ecchymotic type; Ehlers Danlos syndrome, arterial type; Ehlers Danlos syndrome, Sack-Barabas type; Ehlers-Danlos Syndrome Type IV. Identifiers: Orphanet 286, MedGen C0268338, MONDO:0017314, OMIM 130050.

Submissions (2):

All of Us Research Program, National Institutes of Health
Classification: Uncertain significance for Ehlers-Danlos syndrome, type 4. Last evaluated: 2023-04-27. Review status: criteria provided, single submitter. Criteria: ACMG Guidelines, 2015. Collection method: clinical testing. Allele origin: germline. Inheritance: Autosomal dominant inheritance. Observed: 1 variant allele, 1 heterozygote.
Comment: This study involves interpretation of variants in research participants for the purpose of population health screening. Participant phenotype was not available at the time of variant classification. Additional details can be found in publication PMID: 35346344, PMCID: PMC8962531

Ambry Genetics
Classification: Uncertain significance for Familial thoracic aortic aneurysm and aortic dissection. Last evaluated: 2021-09-03. Review status: criteria provided, single submitter. Criteria: Ambry Variant Classification Scheme 2023. Collection method: clinical testing. Allele origin: germline.
Comment: The p.P153R variant (also known as c.458C>G), located in coding exon 5 of the COL3A1 gene, results from a C to G substitution at nucleotide position 458. The proline at codon 153 is replaced by arginine, an amino acid with dissimilar properties. This amino acid position is highly conserved in available vertebrate species. In addition, this alteration is predicted to be deleterious by in silico analysis. Since supporting evidence is limited at this time, the clinical significance of this alteration remains unclear.

NM_000090.4(COL3A1):c.458C>G (p.Pro153Arg)

Gene: COL3A1 (collagen type III alpha 1 chain; plus strand). Cytogenetic location: 2q32.2.
Variant type: single nucleotide variant.
Coding change: c.458C>G on transcript NM_000090.4 (MANE Select); coding-DNA position 458, C replaced by G.
Protein change: p.Pro153Arg; replaces proline 153 with arginine.
Molecular consequence: missense variant.
Genome position (GRCh38, 1-based): chr2:188,987,069, C>G. VCF-style: chr2-188987069-C-G. GRCh37 (hg19) VCF-style: chr2-189851795-C-G.
Other names: short protein forms P153R.
Identifiers: ClinVar variation 1741698 (VCV001741698.3), dbSNP rs2469111392, ClinGen allele CA349848051.